The following is an entry in ClinVar:

NM_198904.4(GABRG2):c.650A>G (p.Glu217Gly)

Gene: GABRG2 (gamma-aminobutyric acid type A receptor subunit gamma2; plus strand). Cytogenetic location: 5q34.
Variant type: single nucleotide variant.
Coding change: c.650A>G on transcript NM_198904.4 (MANE Select); coding-DNA position 650, A replaced by G.
Protein change: p.Glu217Gly; replaces glutamic acid 217 with glycine.
Molecular consequence: missense variant.
Genome position (GRCh38, 1-based): chr5:162,103,907, A>G. VCF-style: chr5-162103907-A-G. GRCh37 (hg19) VCF-style: chr5-161530913-A-G.
Other names: c.650A>G, p.Glu217Gly (NM_000816.3, NM_001375340.1, NM_001375341.1 and 2 more transcripts); c.641A>G, p.Glu214Gly (NM_001375339.1); c.770A>G, p.Glu257Gly (NM_001375343.1, NM_198903.2); c.584A>G, p.Glu195Gly (NM_001375345.1, NM_001375346.1); c.563A>G, p.Glu188Gly (NM_001375347.1); c.230A>G, p.Glu77Gly (NM_001375348.1, NM_001375350.1); c.365A>G, p.Glu122Gly (NM_001375349.1); short protein forms E122G, E188G, E214G, E77G, E195G, E217G, E257G.
Identifiers: ClinVar variation 940776 (VCV000940776.8), dbSNP rs1761616421, ClinGen allele CA362185001.

ClinVar aggregate classification (germline): Uncertain significance (1 of 4 stars; one submission).

Conditions:
Febrile seizures, familial, 8 (FEB8). Also called: CONVULSIONS, FAMILIAL FEBRILE, 8. Identifiers: Orphanet 36387, MedGen C1969810, MONDO:0011891, OMIM 607681.
EPILEPSY, CHILDHOOD ABSENCE, SUSCEPTIBILITY TO, 2 (ECA2). Identifiers: Orphanet 64280, MedGen C1843244, OMIM 607681.

Submission:

Labcorp Genetics (formerly Invitae), Labcorp
Classification: Uncertain significance for Febrile seizures, familial, 8; EPILEPSY, CHILDHOOD ABSENCE, SUSCEPTIBILITY TO, 2. Last evaluated: 2019-09-18. Review status: criteria provided, single submitter. Criteria: Invitae Variant Classification Sherloc (09022015). Collection method: clinical testing. Allele origin: germline.
Comment: In summary, the available evidence is currently insufficient to determine the role of this variant in disease. Therefore, it has been classified as a Variant of Uncertain Significance. Algorithms developed to predict the effect of missense changes on protein structure and function are either unavailable or do not agree on the potential impact of this missense change (SIFT: "Deleterious"; PolyPhen-2: "Probably Damaging"; Align-GVGD: "Class C15"). This variant has not been reported in the literature in individuals with GABRG2-related conditions. This variant is not present in population databases (ExAC no frequency). This sequence change replaces glutamic acid with glycine at codon 217 of the GABRG2 protein (p.Glu217Gly). The glutamic acid residue is highly conserved and there is a moderate physicochemical difference between glutamic acid and glycine.